The following is an entry in ClinVar:

NM_000156.6(GAMT):c.261G>C (p.Trp87Cys)

Gene: GAMT (guanidinoacetate N-methyltransferase; minus strand). Cytogenetic location: 19p13.3.
Variant type: single nucleotide variant.
Coding change: c.261G>C on transcript NM_000156.6 (MANE Select); coding-DNA position 261, G replaced by C.
Protein change: p.Trp87Cys; replaces tryptophan 87 with cysteine.
Molecular consequence: missense variant.
Genome position (GRCh38, 1-based): chr19:1,399,859, C>G on the plus strand (G>C on the coding strand, the complement: GAMT is on the minus strand). VCF-style: chr19-1399859-C-G. GRCh37 (hg19) VCF-style: chr19-1399858-C-G.
Other names: c.261G>C, p.Trp87Cys (NM_138924.3); short protein forms W87C.
Identifiers: ClinVar variation 1722192 (VCV001722192.6), dbSNP rs761115975, ClinGen allele CA402996534.
Genomic context (GRCh38, chr19:1,399,859, plus strand): 5'-TGTCTGCCGTGGGGCCCAGTCCCGGAGCCGCTGGAAGACGCCGTCATTGCACTCGATGAT[C>G]CAATGCTCATCAATGGGCGCCTCCTGCACCTTTGACGCTGCGATGGCCATGCCAAAGCCC-3'
Protein context (NP_000147.1, residues 77-97): KVQEAPIDEH[Trp87Cys]IIECNDGVFQ

ClinVar aggregate classification (germline): Uncertain significance (1 of 4 stars; one submission).

Conditions:
Cerebral creatine deficiency syndrome. Also called: Creatine deficiency syndromes. Identifiers: Orphanet 79172, MedGen C5244016, MONDO:0000456.

Submission:

Labcorp Genetics (formerly Invitae), Labcorp
Classification: Uncertain significance for Cerebral creatine deficiency syndrome. Last evaluated: 2022-07-21. Review status: criteria provided, single submitter. Criteria: Invitae Variant Classification Sherloc (09022015). Collection method: clinical testing. Allele origin: germline.
Comment: In summary, the available evidence is currently insufficient to determine the role of this variant in disease. Therefore, it has been classified as a Variant of Uncertain Significance. Algorithms developed to predict the effect of missense changes on protein structure and function are either unavailable or do not agree on the potential impact of this missense change (SIFT: "Deleterious"; PolyPhen-2: "Probably Damaging"; Align-GVGD: "Class C0"). This variant has not been reported in the literature in individuals affected with GAMT-related conditions. This variant is not present in population databases (gnomAD no frequency). This sequence change replaces tryptophan, which is neutral and slightly polar, with cysteine, which is neutral and slightly polar, at codon 87 of the GAMT protein (p.Trp87Cys).